The following is an entry in ClinVar:

NM_000245.4(MET):c.2640G>C (p.Lys880Asn)

Gene: MET (MET proto-oncogene, receptor tyrosine kinase; plus strand). Cytogenetic location: 7q31.2.
Variant type: single nucleotide variant.
Coding change: c.2640G>C on transcript NM_000245.4 (MANE Select); coding-DNA position 2640, G replaced by C.
Protein change: p.Lys880Asn; replaces lysine 880 with asparagine.
Molecular consequence: missense variant.
Genome position (GRCh38, 1-based): chr7:116,769,701, G>C. VCF-style: chr7-116769701-G-C. GRCh37 (hg19) VCF-style: chr7-116409755-G-C.
Other names: c.2694G>C, p.Lys898Asn (NM_001127500.3); c.2640G>C, p.Lys880Asn (NM_001324401.3); c.1350G>C, p.Lys450Asn (NM_001324402.2); short protein forms K880N, K450N, K898N.
Identifiers: ClinVar variation 2989927 (VCV002989927.4), dbSNP rs2116983311, ClinGen allele CA368985488.

ClinVar aggregate classification (germline): Uncertain significance. Review status: criteria provided, multiple submitters, no conflicts (2 of 4 stars). 2 submissions from 2 submitters: Uncertain significance (2). Last evaluated 2024-06-29.

Conditions:
Hereditary cancer-predisposing syndrome. Also called: Tumor predisposition; Hereditary neoplastic syndrome; Hereditary Cancer Syndrome; Neoplastic Syndromes, Hereditary. Identifiers: Orphanet 140162, MedGen C0027672, MeSH D009386, MONDO:0015356.
Renal cell carcinoma. Identifiers: Orphanet 217071, MedGen C0007134, MeSH D002292, MONDO:0005086, HP:0005584.

Submissions (2):

Ambry Genetics
Classification: Uncertain significance for Hereditary cancer-predisposing syndrome. Last evaluated: 2024-06-29. Review status: criteria provided, single submitter. Criteria: Ambry Variant Classification Scheme 2023. Collection method: clinical testing. Allele origin: germline.
Comment: The p.K898N variant (also known as c.2694G>C), located in coding exon 11 of the MET gene, results from a G to C substitution at nucleotide position 2694. The lysine at codon 898 is replaced by asparagine, an amino acid with similar properties. This amino acid position is conserved. In addition, this alteration is predicted to be tolerated by in silico analysis. Based on the available evidence, the clinical significance of this variant remains unclear.

Labcorp Genetics (formerly Invitae), Labcorp
Classification: Uncertain significance for Renal cell carcinoma. Last evaluated: 2024-06-21. Review status: criteria provided, single submitter. Criteria: Invitae Variant Classification Sherloc (09022015). Collection method: clinical testing. Allele origin: germline.
Comment: This sequence change replaces lysine, which is basic and polar, with asparagine, which is neutral and polar, at codon 898 of the MET protein (p.Lys898Asn). This variant is not present in population databases (gnomAD no frequency). This variant has not been reported in the literature in individuals affected with MET-related conditions. Advanced modeling of protein sequence and biophysical properties (such as structural, functional, and spatial information, amino acid conservation, physicochemical variation, residue mobility, and thermodynamic stability) performed at Invitae indicates that this missense variant is not expected to disrupt MET protein function with a negative predictive value of 80%. In summary, the available evidence is currently insufficient to determine the role of this variant in disease. Therefore, it has been classified as a Variant of Uncertain Significance.